The following is an entry in ClinVar:

NM_004092.4(ECHS1):c.487C>A (p.Pro163Thr)

Gene: ECHS1 (enoyl-CoA hydratase, short chain 1; minus strand). Cytogenetic location: 10q26.3.
Variant type: single nucleotide variant.
Coding change: c.487C>A on transcript NM_004092.4 (MANE Select); coding-DNA position 487, C replaced by A.
Protein change: p.Pro163Thr; replaces proline 163 with threonine.
Molecular consequence: missense variant.
Genome position (GRCh38, 1-based): chr10:133,368,950, G>T on the plus strand (C>A on the coding strand, the complement: ECHS1 is on the minus strand). VCF-style: chr10-133368950-G-T. GRCh37 (hg19) VCF-style: chr10-135182454-G-T.
Other names: short protein forms P163T.
Identifiers: ClinVar variation 1368740 (VCV001368740.8), dbSNP rs1849068818, ClinGen allele CA378820491.

ClinVar aggregate classification (germline): Uncertain significance (1 of 4 stars; one submission).

Allele frequency attached by ClinVar (database versions not stated): gnomAD exomes below 0.00001; TOPMed below 0.00001.
gnomAD v4.1: 2 of 1,613,704 alleles (0.00012%); highest among the groups gnomAD compares: Non-Finnish European, 0.00017%; no homozygotes.

Submission:

Labcorp Genetics (formerly Invitae), Labcorp
Classification: Uncertain significance. Last evaluated: 2022-07-06. Review status: criteria provided, single submitter. Criteria: Invitae Variant Classification Sherloc (09022015). Collection method: clinical testing. Allele origin: germline.
Comment: In summary, the available evidence is currently insufficient to determine the role of this variant in disease. Therefore, it has been classified as a Variant of Uncertain Significance. Advanced modeling of protein sequence and biophysical properties (such as structural, functional, and spatial information, amino acid conservation, physicochemical variation, residue mobility, and thermodynamic stability) performed at Invitae indicates that this missense variant is expected to disrupt ECHS1 protein function. ClinVar contains an entry for this variant (Variation ID: 1368740). This variant has not been reported in the literature in individuals affected with ECHS1-related conditions. This variant is not present in population databases (gnomAD no frequency). This sequence change replaces proline, which is neutral and non-polar, with threonine, which is neutral and polar, at codon 163 of the ECHS1 protein (p.Pro163Thr).